The following is an entry in ClinVar:

NM_003337.4(UBE2B):c.331-9TCC[3]

Gene: UBE2B (ubiquitin conjugating enzyme E2 B; plus strand). Cytogenetic location: 5q31.1.
Variant type: Microsatellite.
Coding change: c.331-9TCC[3] on transcript NM_003337.4 (MANE Select); three copies in a row of the 3-base unit TCC starting at c.331-9.
Molecular consequence: intron variant.
Genome position: GRCh38 VCF-style: chr5-134390215-T-TTCC. GRCh37 (hg19) VCF-style: chr5-133725906-T-TTCC.
Identifiers: ClinVar variation 3035584 (VCV003035584.2), dbSNP rs765369210, ClinGen allele CA3413568.
Genomic context (GRCh38, chr5:134,390,215, plus strand): 5'-TTCCATATCTGACCCCTGTTGGTATAAAGAACAACTATGCAAATCTGTTTTTTCTTTTCT[T>TTCC]TCCTCCTAGTCTCTGCTGGATGAACCGAATCCTAACAGTCCAGCCAATAGCCAGGCAGCA-3'

ClinVar aggregate classification (germline): Likely benign (0 of 4 stars; one submission).

Conditions:
UBE2B-related disorder. Also called: UBE2B-related condition.

Submission:

PreventionGenetics, part of Exact Sciences
Classification: Likely benign for UBE2B-related condition. Last evaluated: 2019-03-29. Review status: no assertion criteria provided. Collection method: clinical testing. Allele origin: germline.
Comment: This variant is classified as likely benign based on ACMG/AMP sequence variant interpretation guidelines (Richards et al. 2015 PMID: 25741868, with internal and published modifications).